The following is an entry in ClinVar:

NM_002283.4(KRT85):c.114C>T (p.Pro38=)

Gene: KRT85 (keratin 85; minus strand). Cytogenetic location: 12q13.13.
Variant type: single nucleotide variant.
Coding change: c.114C>T on transcript NM_002283.4 (MANE Select); coding-DNA position 114, C replaced by T.
Protein change: p.Pro38=; no amino-acid change (proline 38 retained).
Molecular consequence: synonymous variant.
Genome position (GRCh38, 1-based): chr12:52,367,292, G>A on the plus strand (C>T on the coding strand, the complement: KRT85 is on the minus strand). VCF-style: chr12-52367292-G-A. GRCh37 (hg19) VCF-style: chr12-52761076-G-A.
Other names: c.114C>T (NM_002283.3).
Identifiers: ClinVar variation 2722256 (VCV002722256.5), dbSNP rs61731784, ClinGen allele CA6578399.

ClinVar aggregate classification (germline): Benign. Review status: criteria provided, single submitter (1 of 4 stars). 2 submissions from 2 submitters: Benign (1). 1 of the submissions does not count toward it. Last evaluated 2025-04-12.

Conditions:
KRT85-related disorder. Also called: KRT85-related condition.

Allele frequency attached by ClinVar (database versions not stated): 1000 Genomes Project 0.00200; gnomAD 0.00230; gnomAD exomes 0.00023; ExAC 0.00068; 1000 Genomes Project 30x 0.00234; TOPMed 0.00289; ESP Exome Variant Server 0.00238.
gnomAD v4.1: 694 of 1,613,242 alleles (0.043%); highest among the groups gnomAD compares: African/African-American, 0.84%; 2 homozygotes.

Submissions (2):

Labcorp Genetics (formerly Invitae), Labcorp
Classification: Benign. Last evaluated: 2025-04-12. Review status: criteria provided, single submitter. Criteria: Invitae Variant Classification Sherloc (09022015). Collection method: clinical testing. Allele origin: germline.

PreventionGenetics, part of Exact Sciences
Classification: Likely benign for KRT85-related condition. Last evaluated: 2019-12-12. Review status: no assertion criteria provided. Collection method: clinical testing. Allele origin: germline. Not counted in ClinVar's aggregate classification.
Comment: This variant is classified as likely benign based on ACMG/AMP sequence variant interpretation guidelines (Richards et al. 2015 PMID: 25741868, with internal and published modifications).